The following is an entry in ClinVar:

ClinVar aggregate classification (germline): Uncertain significance (1 of 4 stars; one submission).

Conditions:
Autosomal recessive limb-girdle muscular dystrophy type 2O. Also called: MUSCULAR DYSTROPHY-DYSTROGLYCANOPATHY (LIMB-GIRDLE), TYPE C, 3; MUSCULAR DYSTROPHY-DYSTROGLYCANOPATHY, LIMB-GIRDLE, POMGNT1-RELATED; Limb-Girdle Muscular Dystrophy Type 3C. Identifiers: Orphanet 206564, MedGen C3150417, MONDO:0013161, OMIM 613157.
Muscular dystrophy-dystroglycanopathy (congenital with impaired intellectual development), type B, 3. Also called: MUSCULAR DYSTROPHY, CONGENITAL, POMGNT1-RELATED; Muscular dystrophy-dystroglycanopathy (congenital with intellectual disability), type B3. Identifiers: MedGen C3150412, MONDO:0013155, OMIM 613151.

gnomAD v4.1: 4 of 1,613,934 alleles (0.00025%); highest among the groups gnomAD compares: South Asian, 0.0044%; no homozygotes.

Submission:

Labcorp Genetics (formerly Invitae), Labcorp
Classification: Uncertain significance for Autosomal recessive limb-girdle muscular dystrophy type 2O; Muscular dystrophy-dystroglycanopathy (congenital with impaired intellectual development), type B, 3. Last evaluated: 2024-11-11. Review status: criteria provided, single submitter. Criteria: Invitae Variant Classification Sherloc (09022015). Collection method: clinical testing. Allele origin: germline.
Comment: This sequence change falls in intron 14 of the POMGNT1 gene. It does not directly change the encoded amino acid sequence of the POMGNT1 protein. It affects a nucleotide within the consensus splice site. This variant is present in population databases (rs755104526, gnomAD 0.01%). This variant has not been reported in the literature in individuals affected with POMGNT1-related conditions. Variants that disrupt the consensus splice site are a relatively common cause of aberrant splicing (PMID: 17576681, 9536098). Algorithms developed to predict the effect of sequence changes on RNA splicing suggest that this variant is not likely to affect RNA splicing. In summary, the available evidence is currently insufficient to determine the role of this variant in disease. Therefore, it has been classified as a Variant of Uncertain Significance.

Literature cited by the submitters: PubMed 17576681; PubMed 9536098.

NM_017739.4(POMGNT1):c.1212-3C>T

Genes: POMGNT1 (protein O-linked mannose N-acetylglucosaminyltransferase 1 (beta 1,2-); minus strand), TSPAN1 (tetraspanin 1; plus strand). Cytogenetic location: 1p34.1.
Variant type: single nucleotide variant.
Coding change: c.1212-3C>T on transcript NM_017739.4 (MANE Select); 3 bases into the intron before coding-DNA position 1212, C replaced by T.
Molecular consequence: intron variant.
Genome position (GRCh38, 1-based): chr1:46,192,593, G>A on the plus strand (C>T on the coding strand, the complement: POMGNT1 is on the minus strand). VCF-style: chr1-46192593-G-A. GRCh37 (hg19) VCF-style: chr1-46658265-G-A.
Other names: c.1212-3C>T (NM_001243766.2, NM_001438686.1, NM_001438688.1 and 3 more transcripts); c.1146-3C>T (NM_001290129.3, NM_001438691.1, NM_001438692.1); c.783-3C>T (NM_001290130.2).
Identifiers: ClinVar variation 3762094 (VCV003762094.2).